The following is an entry in ClinVar:

NM_198578.4(LRRK2):c.1054G>T (p.Ala352Ser)

Gene: LRRK2 (leucine rich repeat kinase 2; plus strand). Cytogenetic location: 12q12.
Variant type: single nucleotide variant.
Coding change: c.1054G>T on transcript NM_198578.4 (MANE Select); coding-DNA position 1054, G replaced by T.
Protein change: p.Ala352Ser; replaces alanine 352 with serine.
Molecular consequence: missense variant.
Genome position (GRCh38, 1-based): chr12:40,251,327, G>T. VCF-style: chr12-40251327-G-T. GRCh37 (hg19) VCF-style: chr12-40645129-G-T.
Other names: short protein forms A352S.
Identifiers: ClinVar variation 3229497 (VCV003229497.1), dbSNP rs1167678021, ClinGen allele CA384407912.

ClinVar aggregate classification (germline): Uncertain significance (1 of 4 stars; one submission).

Conditions:
Inborn genetic diseases. Identifiers: MedGen C0950123, MeSH D030342.

Submission:

Ambry Genetics
Classification: Uncertain significance for Inborn genetic diseases. Last evaluated: 2024-01-01. Review status: criteria provided, single submitter. Criteria: Ambry Variant Classification Scheme 2023. Collection method: clinical testing. Allele origin: germline.
Comment: The p.A352S variant (also known as c.1054G>T), located in coding exon 9 of the LRRK2 gene, results from a G to T substitution at nucleotide position 1054. The alanine at codon 352 is replaced by serine, an amino acid with similar properties. This amino acid position is conserved. In addition, this alteration is predicted to be tolerated by in silico analysis. Since supporting evidence is limited at this time, the clinical significance of this alteration remains unclear.